The following is an entry in ClinVar:

NM_005546.4(ITK):c.819C>G (p.Tyr273Ter)

Gene: ITK (IL2 inducible T cell kinase; plus strand). Cytogenetic location: 5q33.3.
Variant type: single nucleotide variant.
Coding change: c.819C>G on transcript NM_005546.4 (MANE Select); coding-DNA position 819, C replaced by G.
Protein change: p.Tyr273Ter; replaces tyrosine 273 with a stop codon.
Molecular consequence: nonsense.
Genome position (GRCh38, 1-based): chr5:157,238,159, C>G. VCF-style: chr5-157238159-C-G. GRCh37 (hg19) VCF-style: chr5-156665169-C-G.
Other names: short protein forms Y273*.
Identifiers: ClinVar variation 4725764 (VCV004725764.1).

ClinVar aggregate classification (germline): Pathogenic (1 of 4 stars; one submission).

Conditions:
Lymphoproliferative syndrome 1 (LPFS1). Identifiers: Orphanet 238505, Orphanet 538963, MedGen C3552634, MONDO:0013081, OMIM 613011.

Submission:

Labcorp Genetics (formerly Invitae), Labcorp
Classification: Pathogenic for Lymphoproliferative syndrome 1. Last evaluated: 2025-08-20. Review status: criteria provided, single submitter. Criteria: Invitae Variant Classification Sherloc (09022015). Collection method: clinical testing. Allele origin: germline.
Comment: This sequence change creates a premature translational stop signal (p.Tyr273*) in the ITK gene. It is expected to result in an absent or disrupted protein product. Loss-of-function variants in ITK are known to be pathogenic (PMID: 16860760, 22289921, 26056787). This variant is not present in population databases (gnomAD no frequency). This variant has not been reported in the literature in individuals affected with ITK-related conditions. For these reasons, this variant has been classified as Pathogenic.

Literature cited by the submitters: PubMed 16860760; PubMed 22289921; PubMed 26056787.